The following is an entry in ClinVar:

ClinVar aggregate classification (germline): Uncertain significance. Review status: criteria provided, multiple submitters, no conflicts (2 of 4 stars). 2 submissions from 2 submitters: Uncertain significance (2). Last evaluated 2024-05-22.

Conditions:
Endometrial carcinoma. Also called: Endometrial carcinoma, somatic. Identifiers: MedGen C0476089, MONDO:0002447, OMIM 608089, HP:0012114.
Hereditary cancer-predisposing syndrome. Also called: Neoplastic Syndromes, Hereditary; Tumor predisposition; Hereditary neoplastic syndrome; Hereditary Cancer Syndrome. Identifiers: Orphanet 140162, MedGen C0027672, MeSH D009386, MONDO:0015356.

Submissions (2):

Ambry Genetics
Classification: Uncertain significance for Hereditary cancer-predisposing syndrome. Last evaluated: 2024-05-22. Review status: criteria provided, single submitter. Criteria: Ambry Variant Classification Scheme 2023. Collection method: clinical testing. Allele origin: germline.
Comment: The p.S502P variant (also known as c.1504T>C), located in coding exon 10 of the MSH3 gene, results from a T to C substitution at nucleotide position 1504. The serine at codon 502 is replaced by proline, an amino acid with similar properties. This amino acid position is conserved. In addition, this alteration is predicted to be deleterious by in silico analysis. Based on the available evidence, the clinical significance of this variant remains unclear.

Baylor Genetics
Classification: Uncertain significance for Endometrial carcinoma. Last evaluated: 2023-12-16. Review status: criteria provided, single submitter. Criteria: ACMG Guidelines, 2015. Collection method: clinical testing. Allele origin: unknown.

NM_002439.5(MSH3):c.1504T>C (p.Ser502Pro)

Gene: MSH3 (mutS homolog 3; plus strand). Cytogenetic location: 5q14.1.
Variant type: single nucleotide variant.
Coding change: c.1504T>C on transcript NM_002439.5 (MANE Select); coding-DNA position 1504, T replaced by C.
Protein change: p.Ser502Pro; replaces serine 502 with proline.
Molecular consequence: missense variant.
Genome position (GRCh38, 1-based): chr5:80,728,901, T>C. VCF-style: chr5-80728901-T-C. GRCh37 (hg19) VCF-style: chr5-80024720-T-C.
Other names: c.1504T>C (NM_002439.3); short protein forms S502P.
Identifiers: ClinVar variation 3239780 (VCV003239780.2), dbSNP rs2546754639.